The following is an entry in ClinVar:

NM_001042492.3(NF1):c.6791dup (p.Gln2266fs)

Gene: NF1 (neurofibromin 1; plus strand). Cytogenetic location: 17q11.2.
Variant type: Duplication.
Coding change: c.6791dup on transcript NM_001042492.3 (MANE Select); coding-DNA position 6791, one base duplicated (T; older notation c.6791dupT).
Protein change: p.Gln2266fs; shifts the reading frame from glutamine 2266.
Molecular consequence: frameshift variant.
Genome position (GRCh38, 1-based): chr17:31,338,111, T duplicated. VCF-style (leftmost placement, unchanged base first): chr17-31338110-A-AT. GRCh37 (hg19) VCF-style: chr17-29665128-A-AT.
Other names: c.6728dup, p.Gln2245Alafs (NM_000267.4); short protein forms Q2266fs, Q2245fs.
Identifiers: ClinVar variation 3663251 (VCV003663251.2).
Genomic context (GRCh38, chr17:31,338,110, plus strand): 5'-CTGCAACCAAGAGCTCTTGTTGTCTTTGGGTGTATTAGCAAACGAGTGTCTCATGGGCAG[A>AT]TAAAGCAGATAATCCGTATTCTTAGCAAGGTACCTGTTCCGCCCTCACTTCTCCCAAATA-3'

ClinVar aggregate classification (germline): Pathogenic (1 of 4 stars; one submission).

Conditions:
Neurofibromatosis, type 1 (NF1). Also called: Peripheral type neurofibromatosis; VON RECKLINGHAUSEN DISEASE; NEUROFIBROMATOSIS, TYPE I, SOMATIC; Neurofibromatosis, type I. Identifiers: Orphanet 636, MedGen C0027831, MONDO:0018975, OMIM 162200. Disease mechanism: loss of function.

Submission:

Labcorp Genetics (formerly Invitae), Labcorp
Classification: Pathogenic for Neurofibromatosis, type 1. Last evaluated: 2024-08-22. Review status: criteria provided, single submitter. Criteria: Invitae Variant Classification Sherloc (09022015). Collection method: clinical testing. Allele origin: germline.
Comment: This sequence change creates a premature translational stop signal (p.Gln2245Alafs*7) in the NF1 gene. It is expected to result in an absent or disrupted protein product. Loss-of-function variants in NF1 are known to be pathogenic (PMID: 10712197, 23913538). This variant is not present in population databases (gnomAD no frequency). This variant has not been reported in the literature in individuals affected with NF1-related conditions. For these reasons, this variant has been classified as Pathogenic.

Literature cited by the submitters: PubMed 10712197; PubMed 23913538.